The following is an entry in ClinVar:

ClinVar aggregate classification (germline): Uncertain significance (1 of 4 stars; one submission).

Submission:

Labcorp Genetics (formerly Invitae), Labcorp
Classification: Uncertain significance. Last evaluated: 2025-09-07. Review status: criteria provided, single submitter. Criteria: Invitae Variant Classification Sherloc (09022015). Collection method: clinical testing. Allele origin: germline.
Comment: This sequence change replaces histidine, which is basic and polar, with arginine, which is basic and polar, at codon 1876 of the SZT2 protein (p.His1876Arg). This variant is not present in population databases (gnomAD no frequency). This variant has not been reported in the literature in individuals affected with SZT2-related conditions. Invitae Evidence Modeling of protein sequence and biophysical properties (such as structural, functional, and spatial information, amino acid conservation, physicochemical variation, residue mobility, and thermodynamic stability) indicates that this missense variant is expected to disrupt SZT2 protein function with a positive predictive value of 80%. In summary, the available evidence is currently insufficient to determine the role of this variant in disease. Therefore, it has been classified as a Variant of Uncertain Significance.

NM_001365999.1(SZT2):c.5798A>G (p.His1933Arg)

Gene: SZT2 (SZT2 subunit of KICSTOR complex; plus strand). Cytogenetic location: 1p34.2.
Variant type: single nucleotide variant.
Coding change: c.5798A>G on transcript NM_001365999.1 (MANE Select); coding-DNA position 5798, A replaced by G.
Protein change: p.His1933Arg; replaces histidine 1933 with arginine.
Molecular consequence: missense variant.
Genome position (GRCh38, 1-based): chr1:43,433,184, A>G. VCF-style: chr1-43433184-A-G. GRCh37 (hg19) VCF-style: chr1-43898855-A-G.
Other names: c.5627A>G, p.His1876Arg (NM_015284.4); short protein forms H1876R, H1933R.
Identifiers: ClinVar variation 4707816 (VCV004707816.1).
Genomic context (GRCh38, chr1:43,433,184, plus strand): 5'-GCCTGCCTGACTTCTGGCTCATTGTCCGGGTCCTGCAGGACCGTGTGGAAGTGTATGCAC[A>G]TGCACGGTAAGTAGAAGCCAGGGCCTGCACCCTCATGCTCCCATTAACCTCTTCTCTCTG-3'
Protein context (NP_001352928.1, residues 1923-1943): VLQDRVEVYA[His1933Arg]ARSLIREDGG